The following is an entry in ClinVar:

ClinVar aggregate classification (germline): Uncertain significance (1 of 4 stars; one submission).

Conditions:
Charcot-Marie-Tooth disease type 2E (CMT2E). Also called: CHARCOT-MARIE-TOOTH DISEASE, AXONAL, TYPE 2E; CHARCOT-MARIE-TOOTH NEUROPATHY, TYPE 2E. Identifiers: Orphanet 99939, MedGen C1843225, MONDO:0011894, OMIM 607684.

Submission:

Labcorp Genetics (formerly Invitae), Labcorp
Classification: Uncertain significance for Charcot-Marie-Tooth disease type 2E. Last evaluated: 2019-08-11. Review status: criteria provided, single submitter. Criteria: Invitae Variant Classification Sherloc (09022015). Collection method: clinical testing. Allele origin: germline.
Comment: This sequence change replaces aspartate with tyrosine at codon 72 of the NEFL protein (p.Asp72Tyr). The aspartate residue is highly conserved and there is a large physicochemical difference between aspartate and tyrosine. This variant is not present in population databases (ExAC no frequency). This variant has not been reported in the literature in individuals with NEFL-related conditions. Algorithms developed to predict the effect of missense changes on protein structure and function (SIFT, PolyPhen-2, Align-GVGD) all suggest that this variant is likely to be disruptive, but these predictions have not been confirmed by published functional studies and their clinical significance is uncertain. In summary, the available evidence is currently insufficient to determine the role of this variant in disease. Therefore, it has been classified as a Variant of Uncertain Significance.

NM_006158.5(NEFL):c.214G>T (p.Asp72Tyr)

Gene: NEFL (neurofilament light chain; minus strand). Cytogenetic location: 8p21.2.
Variant type: single nucleotide variant.
Coding change: c.214G>T on transcript NM_006158.5 (MANE Select); coding-DNA position 214, G replaced by T.
Protein change: p.Asp72Tyr; replaces aspartic acid 72 with tyrosine.
Molecular consequence: missense variant.
Genome position (GRCh38, 1-based): chr8:24,956,302, C>A on the plus strand (G>T on the coding strand, the complement: NEFL is on the minus strand). VCF-style: chr8-24956302-C-A. GRCh37 (hg19) VCF-style: chr8-24813816-C-A.
Other names: short protein forms D72Y.
Identifiers: ClinVar variation 959967 (VCV000959967.5), dbSNP rs748849867, ClinGen allele CA370623165.